The following is an entry in ClinVar:

ClinVar aggregate classification (germline): Benign (1 of 4 stars; one submission).

Allele frequency attached by ClinVar (database versions not stated): gnomAD 0.05953 and 0.05983; TOPMed 0.06412; 1000 Genomes Project 0.09185; 1000 Genomes Project 30x 0.09307.
gnomAD v4.1: 9,019 of 152,252 alleles (5.9%); highest among the groups gnomAD compares: East Asian, 15%; 476 homozygotes.

Submission:

GeneDx
Classification: Benign. Last evaluated: 2018-06-14. Review status: criteria provided, single submitter. Criteria: GeneDx Variant Classification (06012015). Collection method: clinical testing. Allele origin: germline. Affected: yes.
Comment: This variant is considered likely benign or benign based on one or more of the following criteria: it is a conservative change, it occurs at a poorly conserved position in the protein, it is predicted to be benign by multiple in silico algorithms, and/or has population frequency not consistent with disease.

NM_015141.4(GPD1L):c.225+175T>G

Gene: GPD1L (glycerol-3-phosphate dehydrogenase 1 like; plus strand). Cytogenetic location: 3p22.3.
Variant type: single nucleotide variant.
Coding change: c.225+175T>G on transcript NM_015141.4 (MANE Select); 175 bases into the intron after coding-DNA position 225, T replaced by G.
Molecular consequence: intron variant.
Genome position (GRCh38, 1-based): chr3:32,128,428, T>G. VCF-style: chr3-32128428-T-G. GRCh37 (hg19) VCF-style: chr3-32169920-T-G.
Identifiers: ClinVar variation 674299 (VCV000674299.1), dbSNP rs72850643, ClinGen allele CA15272426.